The following is an entry in ClinVar:

ClinVar aggregate classification (germline): Pathogenic (1 of 4 stars; one submission).

Submission:

CeGaT Center for Human Genetics Tuebingen
Classification: Pathogenic. Last evaluated: 2023-01-01. Review status: criteria provided, single submitter. Criteria: CeGaT Center For Human Genetics Tuebingen Variant Classification Criteria Version 2. Collection method: clinical testing. Allele origin: germline. Affected: yes. Observed: 2 variant alleles.
Comment: COL11A1: PVS1, PM2, PP4:Moderate

NM_001854.4(COL11A1):c.2611-2A>T

Gene: COL11A1 (collagen type XI alpha 1 chain; minus strand). Cytogenetic location: 1p21.1.
Variant type: single nucleotide variant.
Coding change: c.2611-2A>T on transcript NM_001854.4 (MANE Select); the canonical splice acceptor site of the intron before coding-DNA position 2611, A replaced by T.
Molecular consequence: splice acceptor variant.
Genome position (GRCh38, 1-based): chr1:102,979,106, T>A on the plus strand (A>T on the coding strand, the complement: COL11A1 is on the minus strand). VCF-style: chr1-102979106-T-A. GRCh37 (hg19) VCF-style: chr1-103444662-T-A.
Other names: c.2494-2A>T (NM_001190709.2); c.2647-2A>T (NM_080629.3); c.2263-2A>T (NM_080630.4).
Identifiers: ClinVar variation 2498410 (VCV002498410.28), dbSNP rs2525112967, ClinGen allele CA341163806.